The following is an entry in ClinVar:

ClinVar aggregate classification (germline): Benign (1 of 4 stars; one submission).

Allele frequency attached by ClinVar (database versions not stated): ESP Exome Variant Server 0.00415; TOPMed 0.00712; gnomAD 0.00749 and 0.00999; gnomAD exomes 0.01109 and 0.01706; ExAC 0.01795; 1000 Genomes Project 30x 0.02920; 1000 Genomes Project 0.03115.
gnomAD v4.1: 17,773 of 1,612,740 alleles (1.1%); highest among the groups gnomAD compares: East Asian, 8.8%; 376 homozygotes.

Submission:

GeneDx
Classification: Benign. Last evaluated: 2018-06-14. Review status: criteria provided, single submitter. Criteria: GeneDx Variant Classification (06012015). Collection method: clinical testing. Allele origin: germline. Affected: yes.
Comment: This variant is considered likely benign or benign based on one or more of the following criteria: it is a conservative change, it occurs at a poorly conserved position in the protein, it is predicted to be benign by multiple in silico algorithms, and/or has population frequency not consistent with disease.

NM_006329.4(FBLN5):c.125-45G>C

Gene: FBLN5 (fibulin 5; minus strand). Cytogenetic location: 14q32.12.
Variant type: single nucleotide variant.
Coding change: c.125-45G>C on transcript NM_006329.4 (MANE Select); 45 bases into the intron before coding-DNA position 125, G replaced by C.
Molecular consequence: intron variant.
Genome position (GRCh38, 1-based): chr14:91,937,246, C>G on the plus strand (G>C on the coding strand, the complement: FBLN5 is on the minus strand). VCF-style: chr14-91937246-C-G. GRCh37 (hg19) VCF-style: chr14-92403590-C-G.
Other names: c.125-45G>C (NM_001384160.1); c.248-45G>C (NM_001384158.1); c.-44-45G>C (NM_001384162.1, NM_001384161.1); c.176-45G>C (NM_001384159.1).
Identifiers: ClinVar variation 679836 (VCV000679836.1), dbSNP rs60910640, ClinGen allele CA7312933.